The following is an entry in ClinVar:

NM_000760.4(CSF3R):c.1828A>C (p.Asn610His)

Gene: CSF3R (colony stimulating factor 3 receptor; minus strand). Cytogenetic location: 1p34.3.
Variant type: single nucleotide variant.
Coding change: c.1828A>C on transcript NM_000760.4 (MANE Select); coding-DNA position 1828, A replaced by C.
Protein change: p.Asn610His; replaces asparagine 610 with histidine.
Molecular consequence: missense variant.
Genome position (GRCh38, 1-based): chr1:36,467,858, T>G on the plus strand (A>C on the coding strand, the complement: CSF3R is on the minus strand). VCF-style: chr1-36467858-T-G. GRCh37 (hg19) VCF-style: chr1-36933459-T-G.
Other names: p.Asn610His; c.1828A>C (NM_000760.3); c.1828A>C, p.Asn610His (NM_156039.3, NM_172313.3); short protein forms N610H.
Identifiers: ClinVar variation 1431449 (VCV001431449.9), dbSNP rs1014131377, ClinGen allele CA20743142.

ClinVar aggregate classification (germline): Uncertain significance. Review status: criteria provided, multiple submitters, no conflicts (2 of 4 stars). 2 submissions from 2 submitters: Uncertain significance (2). Last evaluated 2022-11-09.

Conditions:
Autosomal recessive severe congenital neutropenia due to CSF3R deficiency. Also called: Neutropenia, severe congenital, 7, autosomal recessive. Identifiers: Orphanet 420702, MedGen C4310764, MONDO:0014865, OMIM 617014.

Allele frequency attached by ClinVar (database versions not stated): gnomAD 0.00001 and 0.00002; gnomAD exomes 0.00002 and 0.00003; TOPMed 0.00002.

Submissions (2):

Mayo Clinic Laboratories, Mayo Clinic
Classification: Uncertain significance. Last evaluated: 2022-11-09. Review status: criteria provided, single submitter. Criteria: ACMG Guidelines, 2015. Collection method: clinical testing. Allele origin: germline. Observed: 4 variant alleles.
Comment: PM1_supporting, PS3

Labcorp Genetics (formerly Invitae), Labcorp
Classification: Uncertain significance for Autosomal recessive severe congenital neutropenia due to CSF3R deficiency. Last evaluated: 2022-10-24. Review status: criteria provided, single submitter. Criteria: Invitae Variant Classification Sherloc (09022015). Collection method: clinical testing. Allele origin: germline.
Comment: In summary, the available evidence is currently insufficient to determine the role of this variant in disease. Therefore, it has been classified as a Variant of Uncertain Significance. Experimental studies have shown that this missense change affects CSF3R function (PMID: 30348809). This sequence change replaces asparagine, which is neutral and polar, with histidine, which is basic and polar, at codon 610 of the CSF3R protein (p.Asn610His). This variant is present in population databases (no rsID available, gnomAD 0.01%). This missense change has been observed in individual(s) with primary myelofibrosis and mild leukocytosis (PMID: 30348809). ClinVar contains an entry for this variant (Variation ID: 1431449). Advanced modeling of protein sequence and biophysical properties (such as structural, functional, and spatial information, amino acid conservation, physicochemical variation, residue mobility, and thermodynamic stability) performed at Invitae indicates that this missense variant is expected to disrupt CSF3R protein function.

Literature cited by the submitters: PubMed 30348809 (cited by Mayo Clinic Laboratories, Mayo Clinic and Labcorp Genetics (formerly Invitae), Labcorp).